The following is an entry in ClinVar:

ClinVar aggregate classification (germline): Conflicting classifications of pathogenicity. Review status: criteria provided, conflicting classifications (1 of 4 stars). 5 submissions from 5 submitters: Uncertain significance (1); Benign (1); Likely benign (2). 1 of the submissions does not count toward it. Last evaluated 2026-02-03.

Conditions:
PLEC-related disorder. Also called: PLEC-related condition; PLEC-related disorders.
Epidermolysis bullosa simplex with nail dystrophy (EBS5D). Identifiers: MedGen C4225309, MONDO:0014661, OMIM 616487.
Epidermolysis bullosa simplex 5B, with muscular dystrophy (EBS5B). Also called: Epidermolysis bullosa simplex with muscular dystrophy; EPIDERMOLYSIS BULLOSA SIMPLEX AND LIMB-GIRDLE MUSCULAR DYSTROPHY. Identifiers: Orphanet 257, MedGen C2931072, MONDO:0009181, OMIM 226670.
Autosomal recessive limb-girdle muscular dystrophy type 2Q (LGMDR17). Also called: MUSCULAR DYSTROPHY, LIMB-GIRDLE, AUTOSOMAL RECESSIVE 17. Identifiers: Orphanet 254361, MedGen C3150989, MONDO:0013390, OMIM 613723.
Epidermolysis bullosa simplex 5C, with pyloric atresia (EBS5C). Also called: PLEC1-Related Epidermolysis Bullosa with Pyloric Atresia; PLEC-Related Epidermolysis Bullosa with Pyloric Atresia; Epidermolysis bullosa simplex with pyloric atresia. Identifiers: Orphanet 158684, MedGen C2677349, MONDO:0012807, OMIM 612138.
Epidermolysis bullosa simplex, Ogna type (EBS5A). Also called: EPIDERMOLYSIS BULLOSA SIMPLEX 5A, OGNA TYPE; Pidermolysis bullosa simplex 5A, Ogna type. Identifiers: Orphanet 79401, MedGen C0432317, MONDO:0007555, OMIM 131950.

Allele frequency attached by ClinVar (database versions not stated): gnomAD exomes 0.00020; ExAC 0.00025; ESP Exome Variant Server 0.00056; 1000 Genomes Project 0.00080; gnomAD 0.00100 and 0.00108; TOPMed 0.00102; 1000 Genomes Project 30x 0.00109.
gnomAD v4.1: 268 of 1,583,658 alleles (0.017%); highest among the groups gnomAD compares: African/African-American, 0.31%; 1 homozygote.

Submissions (5):

Labcorp Genetics (formerly Invitae), Labcorp
Classification: Benign for Autosomal recessive limb-girdle muscular dystrophy type 2Q; Epidermolysis bullosa simplex, Ogna type; Epidermolysis bullosa simplex with nail dystrophy; Epidermolysis bullosa simplex 5C, with pyloric atresia; Epidermolysis bullosa simplex 5B, with muscular dystrophy. Last evaluated: 2026-02-03. Review status: criteria provided, single submitter. Criteria: Invitae Variant Classification Sherloc (09022015). Collection method: clinical testing. Allele origin: germline.

Blueprint Genetics
Classification: Likely benign. Last evaluated: 2024-07-15. Review status: criteria provided, single submitter. Criteria: ACMG Guidelines, 2015. Collection method: clinical testing. Allele origin: germline.

GeneDx
Classification: Likely benign. Last evaluated: 2021-03-02. Review status: criteria provided, single submitter. Criteria: GeneDx Variant Classification Process June 2021. Collection method: clinical testing. Allele origin: germline. Affected: yes.

Eurofins Ntd Llc (ga)
Classification: Uncertain significance. Last evaluated: 2017-12-26. Review status: criteria provided, single submitter. Criteria: EGL Classification Definitions 2015. Collection method: clinical testing. Allele origin: germline. Observed: 5 variant alleles, 5 heterozygotes.

PreventionGenetics, part of Exact Sciences
Classification: Likely benign for PLEC-related condition. Last evaluated: 2024-05-01. Review status: no assertion criteria provided. Collection method: clinical testing. Allele origin: germline. Not counted in ClinVar's aggregate classification.
Comment: This variant is classified as likely benign based on ACMG/AMP sequence variant interpretation guidelines (Richards et al. 2015 PMID: 25741868, with internal and published modifications).

NM_201384.3(PLEC):c.7101G>A (p.Thr2367=)

Gene: PLEC (plectin; minus strand). Cytogenetic location: 8q24.3.
Variant type: single nucleotide variant.
Coding change: c.7101G>A on transcript NM_201384.3 (MANE Select); coding-DNA position 7101, G replaced by A.
Protein change: p.Thr2367=; no amino-acid change (threonine 2367 retained).
Molecular consequence: synonymous variant.
Genome position (GRCh38, 1-based): chr8:143,922,828, C>T on the plus strand (G>A on the coding strand, the complement: PLEC is on the minus strand). VCF-style: chr8-143922828-C-T. GRCh37 (hg19) VCF-style: chr8-144996996-C-T.
Other names: c.7182G>A, p.Thr2394= (NM_000445.5); c.7059G>A, p.Thr2353= (NM_201378.4); c.7035G>A, p.Thr2345= (NM_201379.3); c.7512G>A, p.Thr2504= (NM_201380.4); c.7005G>A, p.Thr2335= (NM_201381.3); c.7101G>A, p.Thr2367= (NM_201382.4); c.7113G>A, p.Thr2371= (NM_201383.3).
Identifiers: ClinVar variation 196760 (VCV000196760.19), dbSNP rs202132558, ClinGen allele CA244065.